The following is an entry in ClinVar:

NM_005670.4(EPM2A):c.163C>T (p.Gln55Ter)

Genes: EPM2A (EPM2A glucan phosphatase, laforin; minus strand), EPM2A-DT (EPM2A divergent transcript; plus strand), LOC129997381 (ATAC-STARR-seq lymphoblastoid silent region 17642; plus strand). Cytogenetic location: 6q24.3.
Variant type: single nucleotide variant.
Coding change: c.163C>T on transcript NM_005670.4 (MANE Select); coding-DNA position 163, C replaced by T.
Protein change: p.Gln55Ter; replaces glutamine 55 with a stop codon.
Molecular consequence: nonsense. On other transcripts: 5 prime UTR variant (3), intron variant (1).
Genome position (GRCh38, 1-based): chr6:145,735,336, G>A on the plus strand (C>T on the coding strand, the complement: EPM2A is on the minus strand). VCF-style: chr6-145735336-G-A. GRCh37 (hg19) VCF-style: chr6-146056472-G-A.
Other names: NM_005670.4(EPM2A):c.163C>T; p.Gln55Ter; c.163C>T, p.Gln55Ter (NM_001018041.2, NM_001360057.2, NM_001368130.1); c.-507C>T (NM_001360071.2); c.-461C>T (NM_001368129.2); c.-205C>T (NM_001368131.1); c.-114+572C>T (NM_001360064.2); short protein forms Q55*.
Identifiers: ClinVar variation 419335 (VCV000419335.20), dbSNP rs187930476, ClinGen allele CA16618251.
Genomic context (GRCh38, chr6:145,735,336, plus strand): 5'-CGTCCTGCGCCGCCTCCTCGGCCGCCAGCTCCACCTCCCCGAGCCACAGGCCCGGCTCCT[G>A]CAGGGCCAGGGCCCCGTCGCCCGCCGCGGTGCCGGCCGGCCTCAGGCGGACGGCACCGCG-3'

ClinVar aggregate classification (germline): Pathogenic/Likely pathogenic. Review status: criteria provided, multiple submitters, no conflicts (2 of 4 stars). 6 submissions from 6 submitters: Pathogenic (5); Likely pathogenic (1). Last evaluated 2025-01-07.

Conditions:
Progressive myoclonic epilepsy. Also called: Familial progressive myoclonic epilepsy; Myoclonus epilepsy; Progressive myoclonus epilepsy; Myoclonic Epilepsies, Progressive. Identifiers: Orphanet 308, Orphanet 98261, MedGen C0751778, MONDO:0020074.
Lafora disease. Also called: Epilepsy progressive myoclonic 2; Progressive Myoclonus Epilepsy, Lafora Type. Identifiers: Orphanet 501, MedGen C0751783, MONDO:0009697.
Myoclonic epilepsy of Lafora 1 (MELF1). Also called: EPILEPSY, PROGRESSIVE MYOCLONIC, 2A; LAFORA DISEASE 1; EPM2A-Related Lafora Disease; Epilepsy, progressive myoclonic 2A (Lafora). Identifiers: MedGen CN377204, MONDO:0958199, OMIM 254780.

Submissions (6):

Broad Center for Mendelian Genomics, Broad Institute of MIT and Harvard
Classification: Pathogenic for Lafora disease. Last evaluated: 2025-01-07. Review status: criteria provided, single submitter. Criteria: ACMG Guidelines, 2015. Collection method: curation. Allele origin: germline. Inheritance: Autosomal recessive inheritance.
Comment: The p.Gln55Ter variant in EPM3A has been reported in two individuals with Lafora disease (PMID: 29881811, 10932264, 34755096), and has been identified in 0.10% (23/23028) of Ashkenazi Jewish chromosomes by the Genome Aggregation Database (gnomAD; dbSNP: rs187930476). Although this variant has been seen in the general population in a heterozygous state, its frequency is not high enough to rule out a pathogenic role. This variant has also been reported in ClinVar (Variation ID: 419335) and has been interpreted as pathogenic/likely pathogenic by Invitae, PerkinElmer Genomics, and GeneDx. Of the two affected individuals, one of those was a homozygote, which increases the likelihood that the p.Gln55Ter variant is pathogenic (PMID: 29881811, 10932264). This nonsense variant leads to a premature termination codon at position 55, which is predicted to lead to a truncated or absent protein. Loss of function of the EPM2A gene is an established disease mechanism in autosomal recessive Lafora disease. The phenotype of an individual homozygous for this variant was highly specific for Lafora disease based on a biopsy showing Lafora bodies consistent with disease (PMID: 10932264, 29881811). In summary, this variant meets criteria to be classified as pathogenic for autosomal recessive Lafora disease. ACMG/AMP Criteria applied: PVS1, PM3_supporting, PP4 (Richards 2015).

Labcorp Genetics (formerly Invitae), Labcorp
Classification: Pathogenic for Progressive myoclonic epilepsy. Last evaluated: 2024-11-18. Review status: criteria provided, single submitter. Criteria: Invitae Variant Classification Sherloc (09022015). Collection method: clinical testing. Allele origin: germline.
Comment: This sequence change creates a premature translational stop signal (p.Gln55*) in the EPM2A gene. It is expected to result in an absent or disrupted protein product. Loss-of-function variants in EPM2A are known to be pathogenic (PMID: 20738377). This variant is present in population databases (no rsID available, gnomAD 0.08%). This premature translational stop signal has been observed in individual(s) with Lafora disease (PMID: 10932264). ClinVar contains an entry for this variant (Variation ID: 419335). For these reasons, this variant has been classified as Pathogenic.

Dasa
Classification: Pathogenic. Last evaluated: 2024-10-15. Review status: criteria provided, single submitter. Criteria: DASA Assertion Criteria. Collection method: clinical testing. Allele origin: germline.
Comment: NM_005670.4(EPM2A):c.163C>T (p.Gln55*) introduces a premature termination codon predicted to result in loss of normal protein function. Loss-of-function is an established mechanism of disease for this gene. This variant has been observed in affected individuals with related phenotype in a genotype context consistent with recessive disease. The variant is present at low frequency in population datasets. Based on the available data, this variant is classified as pathogenic.

Department of Pathology and Laboratory Medicine, Sinai Health System
Classification: Pathogenic for Myoclonic epilepsy of Lafora 1. Last evaluated: 2023-05-23. Review status: criteria provided, single submitter. Criteria: ACMG Guidelines, 2015. Collection method: research. Allele origin: germline.

GeneDx
Classification: Pathogenic. Last evaluated: 2023-03-09. Review status: criteria provided, single submitter. Criteria: GeneDx Variant Classification Process June 2021. Collection method: clinical testing. Allele origin: germline. Affected: yes.
Comment: Nonsense variant predicted to result in protein truncation or nonsense mediated decay in a gene for which loss-of-function is a known mechanism of disease; This variant is associated with the following publications: (PMID: 12019207, 14722920, 29881811, 34755096, 31980526, 10932264, 20738377)

Revvity Omics, Revvity
Classification: Likely pathogenic for Myoclonic epilepsy of Lafora 1. Last evaluated: 2021-10-14. Review status: criteria provided, single submitter. Criteria: ACMG Guidelines, 2015. Collection method: clinical testing. Allele origin: germline.

Literature cited by the submitters: PubMed 20738377 (cited by Labcorp Genetics (formerly Invitae), Labcorp); PubMed 10932264 (cited by Labcorp Genetics (formerly Invitae), Labcorp).